The following is an entry in ClinVar:

NM_025114.4(CEP290):c.5728_5731del (p.Ile1910fs)

Gene: CEP290 (centrosomal protein 290; minus strand). Cytogenetic location: 12q21.32.
Variant type: Microsatellite.
Coding change: c.5728_5731del on transcript NM_025114.4 (MANE Select); coding-DNA positions 5728 to 5731, 4 bases deleted (ATTA; older notation c.5728_5731delATTA).
Protein change: p.Ile1910fs; shifts the reading frame from isoleucine 1910.
Molecular consequence: frameshift variant.
Genome position (GRCh38, 1-based): chr12:88,071,905-88,071,908, TAAT deleted on the plus strand (ATTA on the coding strand, the reverse complement: CEP290 is on the minus strand); deleting any 4 consecutive bases within chr12:88,071,905-88,071,913 gives the same sequence; the c. name uses the placement nearest the transcript's 3' end. VCF-style (leftmost placement, unchanged base first): chr12-88071904-CTAAT-C. GRCh37 (hg19) VCF-style: chr12-88465681-CTAAT-C.
Other names: c.5728_5731delATTA (NM_025114.3); short protein forms I1910fs.
Identifiers: ClinVar variation 665875 (VCV000665875.9), dbSNP rs754728136, ClinGen allele CA6711652.

ClinVar aggregate classification (germline): Pathogenic/Likely pathogenic. Review status: criteria provided, multiple submitters, no conflicts (2 of 4 stars). 3 submissions from 3 submitters: Pathogenic (1); Likely pathogenic (2). Last evaluated 2024-05-05.

Conditions:
Joubert syndrome. Also called: JOUBERT-BOLTSHAUSER SYNDROME; Familial aplasia of the vermis. Identifiers: Orphanet 475, MedGen C5979921, MONDO:0018772.
Nephronophthisis. Also called: Juvenile Nephronophthisis. Identifiers: Orphanet 655, MedGen C0687120, MONDO:0019005, HP:0000090.
Meckel-Gruber syndrome. Also called: DYSENCEPHALIA SPLANCHNOCYSTICA; GRUBER SYNDROME; Dysencephalia splachnocystica. Identifiers: Orphanet 564, MedGen C0265215, MONDO:0018921.
CEP290-related disorder. Also called: CEP290-related condition; CEP290-related disorders. Identifiers: MedGen CN239314.
Bardet-Biedl syndrome 14 (BBS14). Identifiers: Orphanet 110, MedGen C2673874, MONDO:0014442, OMIM 615991.

Submissions (3):

Labcorp Genetics (formerly Invitae), Labcorp
Classification: Pathogenic for Joubert syndrome; Meckel-Gruber syndrome; Nephronophthisis. Last evaluated: 2024-05-05. Review status: criteria provided, single submitter. Criteria: Invitae Variant Classification Sherloc (09022015). Collection method: clinical testing. Allele origin: germline.
Comment: This sequence change creates a premature translational stop signal (p.Ile1910Glyfs*12) in the CEP290 gene. It is expected to result in an absent or disrupted protein product. Loss-of-function variants in CEP290 are known to be pathogenic (PMID: 16909394, 17345604, 20690115). This variant is present in population databases (rs754728136, gnomAD 0.01%). This variant has not been reported in the literature in individuals affected with CEP290-related conditions. ClinVar contains an entry for this variant (Variation ID: 665875). For these reasons, this variant has been classified as Pathogenic.

Blueprint Genetics
Classification: Likely pathogenic for CEP290-related disorders. Last evaluated: 2022-10-12. Review status: criteria provided, single submitter. Criteria: ACMG Guidelines, 2015. Collection method: clinical testing. Allele origin: germline. Affected: yes. Observed: 2 variant alleles.

Baylor Genetics
Classification: Likely pathogenic for Bardet-Biedl syndrome 14. Last evaluated: 2022-06-08. Review status: criteria provided, single submitter. Criteria: ACMG Guidelines, 2015. Collection method: clinical testing. Allele origin: unknown.

Literature cited by the submitters: PubMed 16909394 (cited by Labcorp Genetics (formerly Invitae), Labcorp); PubMed 17345604 (cited by Labcorp Genetics (formerly Invitae), Labcorp); PubMed 20690115 (cited by Labcorp Genetics (formerly Invitae), Labcorp).